The following is an entry in ClinVar:

NM_003079.5(SMARCE1):c.7+3_7+6del

Gene: SMARCE1 (SWI/SNF related, matrix associated, actin dependent regulator of chromatin, subfamily e, member 1; minus strand). Cytogenetic location: 17q21.2.
Variant type: Microsatellite.
Coding change: c.7+3_7+6del on transcript NM_003079.5 (MANE Select); bases 3 to 6 of the intron after coding-DNA position 7, 4 bases deleted (AAGT; older notation c.7+3_7+6delAAGT).
Molecular consequence: splice donor variant.
Genome position (GRCh38, 1-based): chr17:40,645,790-40,645,793, ACTT deleted on the plus strand (AAGT on the coding strand, the reverse complement: SMARCE1 is on the minus strand); deleting any 4 consecutive bases within chr17:40,645,790-40,645,797 gives the same sequence; the c. name uses the placement nearest the transcript's 3' end. VCF-style (leftmost placement, unchanged base first): chr17-40645789-AACTT-A. GRCh37 (hg19) VCF-style: chr17-38802041-AACTT-A.
Identifiers: ClinVar variation 1309334 (VCV001309334.2), dbSNP rs2144015615, ClinGen allele CA2580613129.

ClinVar aggregate classification (germline): Uncertain significance (1 of 4 stars; one submission).

Submission:

GeneDx
Classification: Uncertain significance. Last evaluated: 2019-08-22. Review status: criteria provided, single submitter. Criteria: GeneDx Variant Classification Process June 2021. Collection method: clinical testing. Allele origin: germline. Affected: yes.
Comment: Not observed in large population cohorts (Lek et al., 2016); Has not been previously published as pathogenic or benign to our knowledge; Splice site variant expected to result in aberrant splicing, though splice outcome is unknown. In the absence of RNA/functional studies, the actual effect of this sequence change is unknown.